The following is an entry in ClinVar:

ClinVar aggregate classification (germline): Pathogenic (1 of 4 stars; one submission).

Conditions:
Very long chain acyl-CoA dehydrogenase deficiency (ACADVLD). Also called: Very Long-Chain Acyl-Coenzyme A Dehydrogenase Deficiency; VLCAD Deficiency. Identifiers: Orphanet 26793, MedGen C3887523, MONDO:0008723, OMIM 201475.

Submission:

Labcorp Genetics (formerly Invitae), Labcorp
Classification: Pathogenic for Very long chain acyl-CoA dehydrogenase deficiency. Last evaluated: 2023-07-07. Review status: criteria provided, single submitter. Criteria: Invitae Variant Classification Sherloc (09022015). Collection method: clinical testing. Allele origin: germline.
Comment: For these reasons, this variant has been classified as Pathogenic. This variant has not been reported in the literature in individuals affected with ACADVL-related conditions. This variant is not present in population databases (gnomAD no frequency). This sequence change creates a premature translational stop signal (p.Leu178Trpfs*39) in the ACADVL gene. It is expected to result in an absent or disrupted protein product. Loss-of-function variants in ACADVL are known to be pathogenic (PMID: 9973285, 11590124).

Literature cited by the submitters: PubMed 9973285; PubMed 11590124.

NM_000018.4(ACADVL):c.532del (p.Leu178fs)

Gene: ACADVL (acyl-CoA dehydrogenase very long chain; plus strand). Cytogenetic location: 17p13.1.
Variant type: Deletion.
Coding change: c.532del on transcript NM_000018.4 (MANE Select); coding-DNA position 532, one base deleted (C; older notation c.532delC).
Protein change: p.Leu178fs; shifts the reading frame from leucine 178.
Molecular consequence: frameshift variant.
Genome position (GRCh38, 1-based): chr17:7,221,592, C deleted; the last of 3 consecutive C bases (chr17:7,221,590-7,221,592); deleting any one gives the same sequence. VCF-style (leftmost placement, unchanged base first): chr17-7221589-AC-A. GRCh37 (hg19) VCF-style: chr17-7124908-AC-A.
Other names: c.466del, p.Leu156fs (NM_001033859.3); c.601del, p.Leu201fs (NM_001270447.2); c.304del, p.Leu102fs (NM_001270448.2); short protein forms L102fs, L156fs, L201fs, L178fs.
Identifiers: ClinVar variation 2737329 (VCV002737329.3), dbSNP rs2508282514, ClinGen allele CA2697557226.
Genomic context (GRCh38, chr17:7,221,589, plus strand): 5'-CCCCTCCAGTACGCCCGTTTGGTGGAGATCGTGGGCATGCATGACCTTGGCGTGGGCATT[AC>A]CCTGGGGGCCCATCAGAGCATCGGTTTCAAAGGCATCCTGCTCTTTGGCACAAAGGCCCA-3'